The following is an entry in ClinVar:

NM_001042492.3(NF1):c.5395T>G (p.Phe1799Val)

Gene: NF1 (neurofibromin 1; plus strand). Cytogenetic location: 17q11.2.
Variant type: single nucleotide variant.
Coding change: c.5395T>G on transcript NM_001042492.3 (MANE Select); coding-DNA position 5395, T replaced by G.
Protein change: p.Phe1799Val; replaces phenylalanine 1799 with valine.
Molecular consequence: missense variant.
Genome position (GRCh38, 1-based): chr17:31,327,625, T>G. VCF-style: chr17-31327625-T-G. GRCh37 (hg19) VCF-style: chr17-29654643-T-G.
Other names: c.5332T>G, p.Phe1778Val (NM_000267.4); short protein forms F1778V, F1799V.
Identifiers: ClinVar variation 3237827 (VCV003237827.1), dbSNP rs2151541212.
Genomic context (GRCh38, chr17:31,327,625, plus strand): 5'-CTAAATGACATTTATTATGCTTCGGAAATTGAAGAAATCTGCCTAGTAGATGAGAACCAG[T>G]TCACCTTAACCATTGCAAACCAGGGCACGCCGCTCACCTTCATGCACCAGGAGTGTGAAG-3'
Protein context (NP_001035957.1, residues 1789-1809): EEICLVDENQ[Phe1799Val]TLTIANQGTP

ClinVar aggregate classification (germline): Uncertain significance (1 of 4 stars; one submission).

Conditions:
Hereditary cancer-predisposing syndrome. Also called: Neoplastic Syndromes, Hereditary; Tumor predisposition; Hereditary neoplastic syndrome; Hereditary Cancer Syndrome. Identifiers: Orphanet 140162, MedGen C0027672, MeSH D009386, MONDO:0015356.
Cardiovascular phenotype. Identifiers: MedGen CN230736.

Submission:

Ambry Genetics
Classification: Uncertain significance for Cardiovascular phenotype; Hereditary cancer-predisposing syndrome. Last evaluated: 2023-11-18. Review status: criteria provided, single submitter. Criteria: Ambry Variant Classification Scheme 2023. Collection method: clinical testing. Allele origin: germline.
Comment: The p.F1778V variant (also known as c.5332T>G), located in coding exon 37 of the NF1 gene, results from a T to G substitution at nucleotide position 5332. The phenylalanine at codon 1778 is replaced by valine, an amino acid with highly similar properties. This amino acid position is highly conserved in available vertebrate species. In addition, this alteration is predicted to be deleterious by in silico analysis. Since supporting evidence is limited at this time, the clinical significance of this alteration remains unclear.